The following is an entry in ClinVar:

NM_001278116.2(L1CAM):c.385C>T (p.Arg129Trp)

Gene: L1CAM (L1 cell adhesion molecule; minus strand). Cytogenetic location: Xq28.
Variant type: single nucleotide variant.
Coding change: c.385C>T on transcript NM_001278116.2 (MANE Select); coding-DNA position 385, C replaced by T.
Protein change: p.Arg129Trp; replaces arginine 129 with tryptophan.
Molecular consequence: missense variant.
Genome position (GRCh38, 1-based): chrX:153,872,167, G>A on the plus strand (C>T on the coding strand, the complement: L1CAM is on the minus strand). VCF-style: chrX-153872167-G-A. GRCh37 (hg19) VCF-style: chrX-153137622-G-A.
Other names: c.385C>T, p.Arg129Trp (NM_000425.5, NM_024003.3); c.370C>T, p.Arg124Trp (NM_001143963.2); short protein forms R124W, R129W.
Identifiers: ClinVar variation 1176609 (VCV001176609.48), dbSNP rs201978087, ClinGen allele CA10554609.
Genomic context (GRCh38, chrX:153,872,167, plus strand): 5'-CGAACTCCGGGACCTGCCCTCCCTGGTCCCTGCAGCGCCTCGCACCCTCGGCCATGAGCC[G>A]GATCTCATGGGACATGGCGGTGCCCAGCTTATTGCTGGCAAAGCAGCGGTAGATGCCCTG-3'
Protein context (NP_001265045.1, residues 119-139): KLGTAMSHEI[Arg129Trp]LMAEGAPKWP

ClinVar aggregate classification (germline): Conflicting classifications of pathogenicity. Review status: criteria provided, conflicting classifications (1 of 4 stars). 4 submissions from 4 submitters: Uncertain significance (3); Likely benign (1). Last evaluated 2024-10-07.

Conditions:
Inborn genetic diseases. Identifiers: MedGen C0950123, MeSH D030342.
MASA syndrome. Also called: MASA (Mental Retardation, Adducted Thumbs, Shuffling Gait, Aphasia) Syndrome, Including SPG1 (X-Linked Complicated Hereditary Spastic Paraplegia Type 1); SPASTIC PARAPLEGIA 1, X-LINKED; MASA Syndrome (Mental Retardation, Adducted Thumbs, Shuffling Gait, and Aphasia); ADDUCTED THUMB WITH MENTAL RETARDATION; CLASPED THUMB AND MENTAL RETARDATION; GAREIS-MASON SYNDROME. Identifiers: Orphanet 2466, MedGen C0795953, MONDO:0010559, OMIM 303350.
X-linked hydrocephalus syndrome (HYCX). Also called: AQUEDUCTAL STENOSIS, X-LINKED; X-Linked Hydrocephalus with Stenosis of the Aqueduct of Sylvius; X-Linked Hydrocephalus with Stenosis of the Aqueduct of Sylvius (HSAS); X-linked hydrocephalus; HYDROCEPHALUS, CONGENITAL, X-LINKED. Identifiers: Orphanet 2182, MedGen C0265216, MONDO:0010611, OMIM 307000.
X-linked complicated corpus callosum dysgenesis. Also called: X-Linked Complicated Corpus Callosum Agenesis. Identifiers: Orphanet 1497, MedGen C1839909, MONDO:0010569, OMIM 304100.
Spastic paraplegia. Identifiers: MedGen C0037772, HP:0001258.

Allele frequency attached by ClinVar (database versions not stated): ExAC 0.00003; gnomAD 0.00003.
gnomAD v4.1: 48 of 1,204,433 alleles (0.004%); highest among the groups gnomAD compares: Middle Eastern, 0.023%; no homozygotes.

Submissions (4):

Labcorp Genetics (formerly Invitae), Labcorp
Classification: Likely benign for Spastic paraplegia. Last evaluated: 2024-10-07. Review status: criteria provided, single submitter. Criteria: Invitae Variant Classification Sherloc (09022015). Collection method: clinical testing. Allele origin: germline.

Fulgent Genetics
Classification: Uncertain significance for MASA syndrome; X-linked complicated corpus callosum dysgenesis; X-linked hydrocephalus syndrome. Last evaluated: 2022-02-01. Review status: criteria provided, single submitter. Criteria: ACMG Guidelines, 2015. Collection method: clinical testing. Allele origin: unknown.

CeGaT Center for Human Genetics Tuebingen
Classification: Uncertain significance. Last evaluated: 2021-06-01. Review status: criteria provided, single submitter. Criteria: CeGaT Center For Human Genetics Tuebingen Variant Classification Criteria Version 2. Collection method: clinical testing. Allele origin: germline. Affected: yes. Observed: 1 variant allele.

Ambry Genetics
Classification: Uncertain significance for Inborn genetic diseases. Last evaluated: 2019-04-03. Review status: criteria provided, single submitter. Criteria: Ambry Variant Classification Scheme 2023. Collection method: clinical testing. Allele origin: germline.
Comment: The p.R129W variant (also known as c.385C>T), located in coding exon 4 of the L1CAM gene, results from a C to T substitution at nucleotide position 385. The arginine at codon 129 is replaced by tryptophan, an amino acid with dissimilar properties. This amino acid position is poorly conserved in available vertebrate species. In addition, this alteration is predicted to be tolerated by in silico analysis. Since supporting evidence is limited at this time, the clinical significance of this alteration remains unclear.